The following is an entry in ClinVar:

ClinVar aggregate classification (germline): Likely benign (1 of 4 stars; one submission).

Allele frequency attached by ClinVar (database versions not stated): gnomAD exomes 0.00296.

Submission:

CeGaT Center for Human Genetics Tuebingen
Classification: Likely benign. Last evaluated: 2023-02-01. Review status: criteria provided, single submitter. Criteria: CeGaT Center For Human Genetics Tuebingen Variant Classification Criteria Version 2. Collection method: clinical testing. Allele origin: germline. Affected: yes. Observed: 2 variant alleles.
Comment: MUC1: BS2

NM_002456.6(MUC1):c.159+309C>T

Gene: MUC1 (mucin 1, cell surface associated; minus strand). Cytogenetic location: 1q22.
Variant type: single nucleotide variant.
Coding change: c.159+309C>T on transcript NM_002456.6; 309 bases into the intron after coding-DNA position 159, C replaced by T.
Molecular consequence: intron variant. On other transcripts: synonymous variant (1).
Genome position (GRCh38, 1-based): chr1:155,191,874, G>A on the plus strand (C>T on the coding strand, the complement: MUC1 is on the minus strand). VCF-style: chr1-155191874-G-A. GRCh37 (hg19) VCF-style: chr1-155161665-G-A.
Other names: c.495C>T, p.His165= (NM_001371720.2); c.186+309C>T (NM_001204291.1, NM_001204292.1, NM_001204295.1 and 7 more transcripts); c.461+34C>T (NM_001204286.1); c.123+309C>T (NM_001204290.2); c.159+309C>T (NM_001204294.2, NM_001044393.3, NM_001044390.3 and 3 more transcripts); c.434+34C>T (NM_001204285.2).
Identifiers: ClinVar variation 2639393 (VCV002639393.24), dbSNP rs1362052716, ClinGen allele CA889676638.